The following is an entry in ClinVar:

ClinVar aggregate classification (germline): Uncertain significance (1 of 4 stars; one submission).

Allele frequency attached by ClinVar (database versions not stated): gnomAD exomes 0.00001.
gnomAD v4.1: 8 of 1,612,526 alleles (0.0005%); highest among the groups gnomAD compares: Non-Finnish European, 0.00068%; no homozygotes.

Submission:

CeGaT Center for Human Genetics Tuebingen
Classification: Uncertain significance. Last evaluated: 2023-01-01. Review status: criteria provided, single submitter. Criteria: CeGaT Center For Human Genetics Tuebingen Variant Classification Criteria Version 2. Collection method: clinical testing. Allele origin: germline. Affected: yes. Observed: 1 variant allele.
Comment: COL11A1: PM2

NM_001854.4(COL11A1):c.977C>G (p.Ser326Cys)

Gene: COL11A1 (collagen type XI alpha 1 chain; minus strand). Cytogenetic location: 1p21.1.
Variant type: single nucleotide variant.
Coding change: c.977C>G on transcript NM_001854.4 (MANE Select); coding-DNA position 977, C replaced by G.
Protein change: p.Ser326Cys; replaces serine 326 with cysteine.
Molecular consequence: missense variant. On other transcripts: non-coding transcript variant (1), intron variant (1).
Genome position (GRCh38, 1-based): chr1:103,025,534, G>C on the plus strand (C>G on the coding strand, the complement: COL11A1 is on the minus strand). VCF-style: chr1-103025534-G-C. GRCh37 (hg19) VCF-style: chr1-103491090-G-C.
Other names: c.860C>G, p.Ser287Cys (NM_001190709.2); c.1013C>G, p.Ser338Cys (NM_080629.3); c.897+682C>G (NM_080630.4); short protein forms S287C, S326C, S338C.
Identifiers: ClinVar variation 2638955 (VCV002638955.24), dbSNP rs2525607782, ClinGen allele CA341155460.